The following is an entry in ClinVar:

ClinVar aggregate classification (germline): Uncertain significance (1 of 4 stars; one submission).

Conditions:
Baller-Gerold syndrome (BGS). Also called: CRANIOSYNOSTOSIS WITH RADIAL DEFECTS. Identifiers: Orphanet 1225, MedGen C0265308, MONDO:0009039, OMIM 218600.

Allele frequency attached by ClinVar (database versions not stated): gnomAD exomes below 0.00001.
gnomAD v4.1: 1 of 1,231,676 alleles (0.000081%); highest among the groups gnomAD compares: Non-Finnish European, 0.0001%; no homozygotes.

Submission:

Laboratorio de Genetica e Diagnostico Molecular, Hospital Israelita Albert Einstein
Classification: Uncertain significance for Baller-Gerold syndrome. Last evaluated: 2022-09-02. Review status: criteria provided, single submitter. Criteria: ACMG Guidelines, 2015. Collection method: clinical testing. Allele origin: germline. Affected: yes.
Comment: ACMG classification criteria: PM2 moderated

NM_004260.4(RECQL4):c.-1C>T

Genes: RECQL4 (RecQ like helicase 4; minus strand), LOC130001411 (ATAC-STARR-seq lymphoblastoid silent region 19699; plus strand). Cytogenetic location: 8q24.3.
Variant type: single nucleotide variant.
Coding change: c.-1C>T on transcript NM_004260.4 (MANE Select); 1 bases upstream of the start codon, C replaced by T.
Molecular consequence: 5 prime UTR variant. On other transcripts: non-coding transcript variant (3).
Genome position (GRCh38, 1-based): chr8:144,517,785, G>A on the plus strand (C>T on the coding strand, the complement: RECQL4 is on the minus strand). VCF-style: chr8-144517785-G-A. GRCh37 (hg19) VCF-style: chr8-145743169-G-A.
Other names: c.-1C>T (NM_001413017.1, NM_001413018.1, NM_001413019.1 and 6 more transcripts); c.-786C>T (NM_001413021.1); c.-1137C>T (NM_001413022.1, NM_001413023.1, NM_001413037.1 and 2 more transcripts); c.-1034C>T (NM_001413024.1); c.-1134C>T (NM_001413027.1); c.-862C>T (NM_001413028.1); c.-1199C>T (NM_001413030.1, NM_001413031.1, NM_001413041.1); c.-1031C>T (NM_001413032.1); and 4 more.
Identifiers: ClinVar variation 2431496 (VCV002431496.2), dbSNP rs2538135552, ClinGen allele CA2580078831.
Genomic context (GRCh38, chr8:144,517,785, plus strand): 5'-CCGTCGGAACGCGCGCTCCCACGCCTGCAGCCGCTCCCGCACGTCCCGCAGCCGCTCCAT[G>A]GCGCGCGCGCCCGCCCGGCCTCCGCGCTTGCGATCGTCCAGCGAATCTCCCGCGCAGCCG-3'